The following is an entry in ClinVar:

ClinVar aggregate classification (germline): Uncertain significance (1 of 4 stars; one submission).

Conditions:
Inborn genetic diseases. Identifiers: MedGen C0950123, MeSH D030342.

gnomAD v4.1: 2 of 1,613,750 alleles (0.00012%); highest among the groups gnomAD compares: African/African-American, 0.0027%; no homozygotes.

Submission:

Ambry Genetics
Classification: Uncertain significance for Inborn genetic diseases. Last evaluated: 2025-02-11. Review status: criteria provided, single submitter. Criteria: Ambry Variant Classification Scheme 2023. Collection method: clinical testing. Allele origin: germline.
Comment: The p.Q1047E variant (also known as c.3139C>G), located in coding exon 14 of the MECOM gene, results from a C to G substitution at nucleotide position 3139. The glutamine at codon 1047 is replaced by glutamic acid, an amino acid with highly similar properties. This amino acid position is conserved. In addition, this alteration is predicted to be tolerated by in silico analysis. Based on the available evidence, the clinical significance of this variant remains unclear.

NM_004991.4(MECOM):c.3139C>G (p.Gln1047Glu)

Gene: MECOM (MDS1 and EVI1 complex locus; minus strand). Cytogenetic location: 3q26.2.
Variant type: single nucleotide variant.
Coding change: c.3139C>G on transcript NM_004991.4 (MANE Select); coding-DNA position 3139, C replaced by G.
Protein change: p.Gln1047Glu; replaces glutamine 1047 with glutamic acid.
Molecular consequence: missense variant.
Genome position (GRCh38, 1-based): chr3:169,092,983, G>C on the plus strand (C>G on the coding strand, the complement: MECOM is on the minus strand). VCF-style: chr3-169092983-G-C. GRCh37 (hg19) VCF-style: chr3-168810771-G-C.
Other names: c.2770C>G, p.Gln924Glu (NM_001105077.4); c.2575C>G, p.Gln859Glu (NM_001105078.4, NM_001205194.2, NM_001366469.2 and 1 more transcripts); c.2551C>G, p.Gln851Glu (NM_001163999.2, NM_001366470.2); c.2548C>G, p.Gln850Glu (NM_001164000.2, NM_001366471.2, NM_001366472.2); c.3112C>G, p.Gln1038Glu (NM_001366466.2); c.2578C>G, p.Gln860Glu (NM_001366467.2, NM_001366468.2); c.2140C>G, p.Gln714Glu (NM_001366473.2); c.1576C>G, p.Gln526Glu (NM_001366474.2); short protein forms Q1047E, Q526E, Q714E, Q859E, Q924E, Q860E, Q850E, Q851E.
Identifiers: ClinVar variation 3871822 (VCV003871822.1).